The following is an entry in ClinVar:

NM_012448.4(STAT5B):c.2270_2271delinsAA (p.Phe757Ter)

Gene: STAT5B (signal transducer and activator of transcription 5B; minus strand). Cytogenetic location: 17q21.2.
Variant type: Indel.
Coding change: c.2270_2271delinsAA on transcript NM_012448.4 (MANE Select); coding-DNA positions 2270 to 2271, TC replaced by AA.
Protein change: p.Phe757Ter; replaces phenylalanine 757 with a stop codon.
Molecular consequence: nonsense.
Genome position (GRCh38, 1-based): chr17:42,201,831-42,201,832, GA replaced by TT on the plus strand (TC replaced by AA on the coding strand, the reverse complement: STAT5B is on the minus strand). VCF-style: chr17-42201831-GA-TT. GRCh37 (hg19) VCF-style: chr17-40353849-GA-TT.
Other names: short protein forms F757*.
Identifiers: ClinVar variation 3722651 (VCV003722651.2).
Genomic context (GRCh38, chr17:42,201,831, plus strand): 5'-CATTGGCCGGCCCAGGAGCTCCTCCACACGCCGCGCTACGTCCATTGTGTCCTCCAGATC[GA>TT]AGTCCCCATCGGTGTCAAGGACTGAGTCAGGGCTTGGGAGGGAAAGAAGAGGGATGAAGG-3'

ClinVar aggregate classification (germline): Uncertain significance (1 of 4 stars; one submission).

Conditions:
Growth hormone insensitivity with immune dysregulation 1, autosomal recessive. Also called: GROWTH HORMONE INSENSITIVITY DUE TO POSTRECEPTOR DEFECT; LARON SYNDROME DUE TO POSTRECEPTOR DEFECT; GROWTH HORMONE INSENSITIVITY SYNDROME WITH IMMUNE DYSREGULATION 1, AUTOSOMAL RECESSIVE; Laron syndrome with immunodeficiency. Identifiers: Orphanet 220465, MedGen C5435698, MONDO:0100211, OMIM 245590.

Submission:

Labcorp Genetics (formerly Invitae), Labcorp
Classification: Uncertain significance for Growth hormone insensitivity with immune dysregulation 1, autosomal recessive. Last evaluated: 2024-10-10. Review status: criteria provided, single submitter. Criteria: Invitae Variant Classification Sherloc (09022015). Collection method: clinical testing. Allele origin: germline.
Comment: This sequence change creates a premature translational stop signal (p.Phe757*) in the STAT5B gene. While this is not anticipated to result in nonsense mediated decay, it is expected to disrupt the last 31 amino acid(s) of the STAT5B protein. Information on the frequency of this variant in the gnomAD database is not available, as this variant may be reported differently in the database. This variant has not been reported in the literature in individuals affected with STAT5B-related conditions. Experimental studies and prediction algorithms are not available or were not evaluated, and the functional significance of this variant is currently unknown. In summary, the available evidence is currently insufficient to determine the role of this variant in disease. Therefore, it has been classified as a Variant of Uncertain Significance.